The following is an entry in ClinVar:

ClinVar aggregate classification (germline): Uncertain significance (1 of 4 stars; one submission).

Allele frequency attached by ClinVar (database versions not stated): gnomAD exomes 0.00001 and 0.00002; TOPMed 0.00002; ESP Exome Variant Server 0.00008.
gnomAD v4.1: 22 of 1,613,972 alleles (0.0014%); highest among the groups gnomAD compares: East Asian, 0.0022%; no homozygotes.

Submission:

Labcorp Genetics (formerly Invitae), Labcorp
Classification: Uncertain significance. Last evaluated: 2023-11-27. Review status: criteria provided, single submitter. Criteria: Invitae Variant Classification Sherloc (09022015). Collection method: clinical testing. Allele origin: germline.
Comment: This sequence change replaces valine, which is neutral and non-polar, with isoleucine, which is neutral and non-polar, at codon 81 of the PDE6A protein (p.Val81Ile). This variant is present in population databases (rs369262314, gnomAD 0.003%). This variant has not been reported in the literature in individuals affected with PDE6A-related conditions. ClinVar contains an entry for this variant (Variation ID: 1000378). Advanced modeling of protein sequence and biophysical properties (such as structural, functional, and spatial information, amino acid conservation, physicochemical variation, residue mobility, and thermodynamic stability) performed at Invitae indicates that this missense variant is not expected to disrupt PDE6A protein function with a negative predictive value of 80%. In summary, the available evidence is currently insufficient to determine the role of this variant in disease. Therefore, it has been classified as a Variant of Uncertain Significance.

NM_000440.3(PDE6A):c.241G>A (p.Val81Ile)

Gene: PDE6A (phosphodiesterase 6A; minus strand). Cytogenetic location: 5q32.
Variant type: single nucleotide variant.
Coding change: c.241G>A on transcript NM_000440.3 (MANE Select); coding-DNA position 241, G replaced by A.
Protein change: p.Val81Ile; replaces valine 81 with isoleucine.
Molecular consequence: missense variant.
Genome position (GRCh38, 1-based): chr5:149,944,433, C>T on the plus strand (G>A on the coding strand, the complement: PDE6A is on the minus strand). VCF-style: chr5-149944433-C-T. GRCh37 (hg19) VCF-style: chr5-149323996-C-T.
Other names: short protein forms V81I.
Identifiers: ClinVar variation 1000378 (VCV001000378.8), dbSNP rs369262314, ClinGen allele CA129059279.